The following is an entry in ClinVar:

ClinVar aggregate classification (germline): Uncertain significance. Review status: reviewed by expert panel (3 of 4 stars). 10 submissions from 10 submitters: Uncertain significance (1). 9 of the submissions do not count toward it. Last evaluated 2024-05-21.

Conditions:
GAA-related disorder. Also called: GAA-related condition.
Glycogen storage disease, type II (IOPD). Also called: GLYCOGENOSIS, GENERALIZED, CARDIAC FORM; GSD II; Glucosidase acid-1,4-alpha deficiency; CARDIOMEGALIA GLYCOGENICA DIFFUSA; Glycogen storage disease type 2; Acid maltase deficiency disease. Identifiers: Orphanet 365, MedGen C0017921, MONDO:0009290, OMIM 232300.

Allele frequency attached by ClinVar (database versions not stated): 1000 Genomes Project 0.00060; gnomAD 0.00015 and 0.00014; TOPMed 0.00032; 1000 Genomes Project 30x 0.00078.

Submissions (10):

ClinGen Lysosomal Storage Disorder Variant Curation Expert Panel
Classification: Uncertain significance for Glycogen storage disease, type II. Last evaluated: 2024-05-21. Review status: reviewed by expert panel. Criteria: clingen_lsd_acmg_specifications_v2-1. Collection method: curation. Allele origin: germline. Inheritance: Autosomal recessive inheritance.
Comment: The NM_000152.5:c.1888+5G>T variant alters the donor splice site consensus sequence of intron 13 in GAA. GAA activity is available for 3 patients with this variant (PMID: 33202836; clinical diagnostic laboratories). Although all of these patients have been reported to have reduced GAA activity, they are all heterozygous for the c.2065G>A (p.Glu689Lys) pseudodeficiency variant. These patients were either identified as "suspected" late onset Pompe disease by newborn screen (PMID: 33202836, clinical laboratory), or no further clinical information is available (clinical laboratories). Without confirmation that the variant has been found in a patient with characteristics of Pompe disease, other than reduced GAA activity that could be attributed to pseudodeficiency, PP4 is not met at the current time. All 3 patients with documented GAA deficiency are compound heterozygous for the variant along with c.2065G>A (p.Glu689Lys), and another variant in GAA that has been classified as pathogenic by the ClinGen LD VCEP, either c.-32-13T>G (ClinVar Variation ID: 4027) (with c.510C>T, which is believed to be a modifier, typically occurring in cis with c.-32-13T>G), c.1655T>C (p.Leu552Pro) (ClinVar Variation ID: 279811, SCV001371750.2) (PMID: 33202836, clinical laboratory), and c.2560C>T (p.Arg854Ter) (ClinVar Variation ID: 4034, SCV001371731.1). However, because PP4 was not met, and it is unclear if these patients have Pompe disease, PM3 is not met at any weight at the current time. The highest population minor allele frequency (MAF) in gnomAD v2.1.1 is 0.00006 (2/33202 alleles) in the Latino population and, in gnomAD v4.1, the highest population MAF is 0.0004094 (24/58624 alleles) in the Admixed American population both of which are lower than the ClinGen Lysosomal Diseases VCEP’s threshold for PM2_Supporting (<0.001), meeting this criterion (PM2_Supporting). To our knowledge, results from RNA studies on this variant are not available. SpliceAI indicates that the variant has no significant impact on splicing (donor loss score= 0.04; acceptor gain 126 bp downstream, score 0.11=, donor gain 83 bp downstream, score=0.13) (BP4). There is a ClinVar entry for this variant (Variation ID: 283971). In summary, this variant meets the criteria to be classified as a variant of uncertain significance for Pompe disease. GAA-specific ACMG/AMP criteria applied, as specified by the ClinGen Lysosomal Diseases VCEP: PM2_Supporting, BP4 (Classification approved by the ClinGen Lysosomal Diseases VCEP on May 21, 2024).

GeneDx
Classification: Uncertain significance. Last evaluated: 2026-08-18. Review status: criteria provided, single submitter. Criteria: GeneDx Variant Classification Process June 2021. Collection method: clinical testing. Allele origin: germline. Not counted in ClinVar's aggregate classification.
Comment: Observed with a second GAA variant in patients with suspected late onset Pompe disease, but it is not known whether the variants occurred on the same (in cis) or different (in trans) alleles (PMID: 33202836, 40136631); Not observed at significant frequency in large population cohorts (gnomAD); In silico analysis suggests that this variant does not alter splicing; This variant is associated with the following publications: (PMID: 33202836, 40136631)

Genomenon, Inc
Classification: Uncertain significance for Glycogen storage disease, type II. Last evaluated: 2026-07-01. Review status: criteria provided, single submitter. Criteria: Genomenon Sequence Variant Interpretation Standards - Updated. Collection method: curation. Allele origin: germline. Not counted in ClinVar's aggregate classification.
Comment: GAA c.1888+5G>T is an intronic variant located in the donor splice region of intron 13. This variant has been reported in the compound heterozygous and/or homozygous state in an individual without a confirmed diagnosis of Pompe disease (PMID:40136631;33202836). It is absent or not present at a significant frequency in gnomAD. In silico models predict that this variant is not damaging. In conclusion, we classify GAA c.1888+5G>T as a variant of uncertain significance.

Women's Health and Genetics/Laboratory Corporation of America, LabCorp
Classification: Uncertain significance. Last evaluated: 2025-11-10. Review status: criteria provided, single submitter. Criteria: LabCorp Variant Classification Summary - May 2015. Collection method: clinical testing. Allele origin: germline. Not counted in ClinVar's aggregate classification.
Comment: Variant summary: GAA c.1888+5G>T alters a conserved nucleotide located close to a canonical splice site and therefore could affect mRNA splicing, leading to a significantly altered protein sequence. Several computational tools predict a significant impact on normal splicing: One predicts the variant abolishes a 5' splicing donor site and three predict the variant weakens a 5' donor site. Two also predict the variant creates a 3' acceptor site. However, these predictions have yet to be confirmed by functional studies. The variant allele was found at a frequency of 1.3e-05 in 224656 control chromosomes. The available data on variant occurrences in the general population are insufficient to allow any conclusion about variant significance. c.1888+5G>T has been reported in the literature in two individuals suspected of late onset Glycogen Storage Disease, Type 2 (Pompe Disease), both who harbored pathogenic variants and c.2065G>A, reported as a pseudodeficiency allele (Ficicioglu_2020). These report(s) do not provide unequivocal conclusions about association of the variant with Glycogen Storage Disease, Type 2 (Pompe Disease). To our knowledge, no experimental evidence demonstrating an impact on protein function has been reported. The following publication has been ascertained in the context of this evaluation (PMID: 33202836). ClinVar contains an entry for this variant (Variation ID: 283971). Based on the evidence outlined above, the variant was classified as uncertain significance.

Labcorp Genetics (formerly Invitae), Labcorp
Classification: Uncertain significance for Glycogen storage disease, type II. Last evaluated: 2025-01-15. Review status: criteria provided, single submitter. Criteria: Invitae Variant Classification Sherloc (09022015). Collection method: clinical testing. Allele origin: germline. Not counted in ClinVar's aggregate classification.
Comment: This sequence change falls in intron 13 of the GAA gene. It does not directly change the encoded amino acid sequence of the GAA protein. It affects a nucleotide within the consensus splice site. This variant is present in population databases (rs528282884, gnomAD 0.009%). This variant has been observed in individual(s) with clinical features of Pompe disease (PMID: 33202836; internal data). ClinVar contains an entry for this variant (Variation ID: 283971). Variants that disrupt the consensus splice site are a relatively common cause of aberrant splicing (PMID: 17576681, 9536098). Algorithms developed to predict the effect of sequence changes on RNA splicing suggest that this variant may disrupt the consensus splice site. In summary, the available evidence is currently insufficient to determine the role of this variant in disease. Therefore, it has been classified as a Variant of Uncertain Significance.

Revvity Omics, Revvity
Classification: Uncertain significance. Last evaluated: 2023-03-22. Review status: criteria provided, single submitter. Criteria: ACMG Guidelines, 2015. Collection method: clinical testing. Allele origin: germline. Not counted in ClinVar's aggregate classification.

Fulgent Genetics
Classification: Uncertain significance for Glycogen storage disease, type II. Last evaluated: 2021-07-23. Review status: criteria provided, single submitter. Criteria: ACMG Guidelines, 2015. Collection method: clinical testing. Allele origin: unknown. Not counted in ClinVar's aggregate classification.

Eurofins Ntd Llc (ga)
Classification: Uncertain significance. Last evaluated: 2017-11-13. Review status: criteria provided, single submitter. Criteria: EGL Classification Definitions 2015. Collection method: clinical testing. Allele origin: germline. Observed: 9 variant alleles, 9 heterozygotes. Not counted in ClinVar's aggregate classification.

PreventionGenetics, part of Exact Sciences
Classification: Uncertain significance for GAA-related condition. Last evaluated: 2024-03-16. Review status: no assertion criteria provided. Collection method: clinical testing. Allele origin: germline. Not counted in ClinVar's aggregate classification.
Comment: The GAA c.1888+5G>T variant is predicted to interfere with splicing. This variant was reported in an individual with late onset glycogen storage disease; however, pathogenicity was not established (Ficicioglu et al. 2020. PubMed ID: 33202836). This variant is reported in 0.0060% of alleles in individuals of Latino descent in gnomAD. An expert ClinGen panel has interpreted this variant as uncertain. Splicing prediction programs do not predict a splicing impact for this variant (SpliceAI, Jaganathan et al. 2019. PubMed ID: 30661751). At this time, the clinical significance of this variant is uncertain due to the absence of conclusive functional and genetic evidence.

Natera, Inc.
Classification: Uncertain significance for Glycogen storage disease type II. Last evaluated: 2020-02-21. Review status: no assertion criteria provided. Collection method: clinical testing. Allele origin: germline. Not counted in ClinVar's aggregate classification.

Literature cited by the submitters: PubMed 40136631 (cited by Genomenon, Inc); PubMed 33202836 (cited by 3 submitters); PubMed 17576681 (cited by Labcorp Genetics (formerly Invitae), Labcorp); PubMed 9536098 (cited by Labcorp Genetics (formerly Invitae), Labcorp).

NM_000152.5(GAA):c.1888+5G>T

Gene: GAA (alpha glucosidase; plus strand). Cytogenetic location: 17q25.3.
Variant type: single nucleotide variant.
Coding change: c.1888+5G>T on transcript NM_000152.5 (MANE Select); 5 bases into the intron after coding-DNA position 1888, G replaced by T.
Molecular consequence: intron variant.
Genome position (GRCh38, 1-based): chr17:80,112,716, G>T. VCF-style: chr17-80112716-G-T. GRCh37 (hg19) VCF-style: chr17-78086515-G-T.
Other names: c.1888+5G>T (NM_001079803.3, NM_001079804.3, LRG_673t1 and 1 more transcripts).
Identifiers: ClinVar variation 283971 (VCV000283971.27), dbSNP rs528282884, ClinGen allele CA8815512.
Genomic context (GRCh38, chr17:80,112,716, plus strand): 5'-CCACTGGACGGGGGACGTGTGGAGCTCCTGGGAGCAGCTCGCCTCCTCCGTGCCAGGTGA[G>T]CTCCTACCAGGAGGGGCTGCTCAGCAGAGTAGAGCCGGGGGCCTCTATGGGAGGCTTGCC-3'